The following is an entry in ClinVar:

ClinVar aggregate classification (germline): Uncertain significance. Review status: criteria provided, multiple submitters, no conflicts (2 of 4 stars). 3 submissions from 3 submitters: Uncertain significance (3). Last evaluated 2026-04-01.

Conditions:
TTLL5-related disorder. Also called: TTLL5-related condition.

Allele frequency attached by ClinVar (database versions not stated): ExAC 0.00005; gnomAD 0.00006 and 0.00007; TOPMed 0.00007; ESP Exome Variant Server 0.00008; gnomAD exomes 0.00008 and 0.00010; 1000 Genomes Project 30x 0.00016; 1000 Genomes Project 0.00020.
gnomAD v4.1: 152 of 1,613,726 alleles (0.0094%); highest among the groups gnomAD compares: Middle Eastern, 0.017%; no homozygotes.

Submissions (3):

PreventionGenetics, part of Exact Sciences
Classification: Uncertain significance for TTLL5-related condition. Last evaluated: 2026-04-01. Review status: criteria provided, single submitter. Criteria: ACMG Guidelines, 2015. Collection method: clinical testing. Allele origin: germline.
Comment: The TTLL5 c.2966G>A variant is predicted to result in the amino acid substitution p.Arg989His. To our knowledge, this variant has not been reported in the literature. This variant is reported in 0.016% of alleles in individuals of African descent in gnomAD. At this time, the clinical significance of this variant is uncertain due to the absence of conclusive functional and genetic evidence.

Labcorp Genetics (formerly Invitae), Labcorp
Classification: Uncertain significance. Last evaluated: 2024-10-22. Review status: criteria provided, single submitter. Criteria: Invitae Variant Classification Sherloc (09022015). Collection method: clinical testing. Allele origin: germline.
Comment: This sequence change replaces arginine, which is basic and polar, with histidine, which is basic and polar, at codon 989 of the TTLL5 protein (p.Arg989His). This variant is present in population databases (rs375900619, gnomAD 0.01%). This variant has not been reported in the literature in individuals affected with TTLL5-related conditions. ClinVar contains an entry for this variant (Variation ID: 934252). Invitae Evidence Modeling of protein sequence and biophysical properties (such as structural, functional, and spatial information, amino acid conservation, physicochemical variation, residue mobility, and thermodynamic stability) indicates that this missense variant is not expected to disrupt TTLL5 protein function with a negative predictive value of 80%. In summary, the available evidence is currently insufficient to determine the role of this variant in disease. Therefore, it has been classified as a Variant of Uncertain Significance.

Blueprint Genetics
Classification: Uncertain significance. Last evaluated: 2024-08-05. Review status: criteria provided, single submitter. Criteria: ACMG Guidelines, 2015. Collection method: clinical testing. Allele origin: germline.

NM_015072.5(TTLL5):c.2966G>A (p.Arg989His)

Gene: TTLL5 (tubulin tyrosine ligase like 5; plus strand). Cytogenetic location: 14q24.3.
Variant type: single nucleotide variant.
Coding change: c.2966G>A on transcript NM_015072.5 (MANE Select); coding-DNA position 2966, G replaced by A.
Protein change: p.Arg989His; replaces arginine 989 with histidine.
Molecular consequence: missense variant.
Genome position (GRCh38, 1-based): chr14:75,783,510, G>A. VCF-style: chr14-75783510-G-A. GRCh37 (hg19) VCF-style: chr14-76249853-G-A.
Other names: short protein forms R989H.
Identifiers: ClinVar variation 934252 (VCV000934252.10), dbSNP rs375900619, ClinGen allele CA7279847.